The following is an entry in ClinVar:

NM_014795.4(ZEB2):c.2266C>T (p.Pro756Ser)

Gene: ZEB2 (zinc finger E-box binding homeobox 2; minus strand). Cytogenetic location: 2q22.3.
Variant type: single nucleotide variant.
Coding change: c.2266C>T on transcript NM_014795.4 (MANE Select); coding-DNA position 2266, C replaced by T.
Protein change: p.Pro756Ser; replaces proline 756 with serine.
Molecular consequence: missense variant.
Genome position (GRCh38, 1-based): chr2:144,398,921, G>A on the plus strand (C>T on the coding strand, the complement: ZEB2 is on the minus strand). VCF-style: chr2-144398921-G-A. GRCh37 (hg19) VCF-style: chr2-145156488-G-A.
Other names: c.2194C>T, p.Pro732Ser (NM_001171653.2); short protein forms P756S, P732S.
Identifiers: ClinVar variation 3655846 (VCV003655846.2).

ClinVar aggregate classification (germline): Uncertain significance (1 of 4 stars; one submission).

Conditions:
Mowat-Wilson syndrome (MOWS). Also called: Classic Mowat-Wilson Syndrome. Identifiers: Orphanet 2152, MedGen C1856113, MONDO:0009341, OMIM 235730.

gnomAD v4.1: 1 of 1,614,040 alleles (0.000062%); highest among the groups gnomAD compares: Non-Finnish European, 0.000085%; no homozygotes.

Submission:

Labcorp Genetics (formerly Invitae), Labcorp
Classification: Uncertain significance for Mowat-Wilson syndrome. Last evaluated: 2024-06-07. Review status: criteria provided, single submitter. Criteria: Invitae Variant Classification Sherloc (09022015). Collection method: clinical testing. Allele origin: germline.
Comment: This sequence change replaces proline, which is neutral and non-polar, with serine, which is neutral and polar, at codon 756 of the ZEB2 protein (p.Pro756Ser). This variant is not present in population databases (gnomAD no frequency). This variant has not been reported in the literature in individuals affected with ZEB2-related conditions. Advanced modeling of protein sequence and biophysical properties (such as structural, functional, and spatial information, amino acid conservation, physicochemical variation, residue mobility, and thermodynamic stability) performed at Invitae indicates that this missense variant is not expected to disrupt ZEB2 protein function with a negative predictive value of 80%. In summary, the available evidence is currently insufficient to determine the role of this variant in disease. Therefore, it has been classified as a Variant of Uncertain Significance.